The following is an entry in ClinVar:

NM_001040108.2(MLH3):c.3776T>C (p.Leu1259Pro)

Gene: MLH3 (mutL homolog 3; minus strand). Cytogenetic location: 14q24.3.
Variant type: single nucleotide variant.
Coding change: c.3776T>C on transcript NM_001040108.2 (MANE Select); coding-DNA position 3776, T replaced by C.
Protein change: p.Leu1259Pro; replaces leucine 1259 with proline.
Molecular consequence: missense variant.
Genome position (GRCh38, 1-based): chr14:75,032,119, A>G on the plus strand (T>C on the coding strand, the complement: MLH3 is on the minus strand). VCF-style: chr14-75032119-A-G. GRCh37 (hg19) VCF-style: chr14-75498822-A-G.
Other names: c.3704T>C, p.Leu1235Pro (NM_014381.3); short protein forms L1235P, L1259P.
Identifiers: ClinVar variation 3232557 (VCV003232557.1), dbSNP rs2503132043, ClinGen allele CA390424915.

ClinVar aggregate classification (germline): Uncertain significance (1 of 4 stars; one submission).

Submission:

Ambry Genetics
Classification: Uncertain significance. Last evaluated: 2024-02-09. Review status: criteria provided, single submitter. Criteria: Ambry Variant Classification Scheme 2023. Collection method: clinical testing. Allele origin: germline.
Comment: The p.L1259P variant (also known as c.3776T>C), located in coding exon 7 of the MLH3 gene, results from a T to C substitution at nucleotide position 3776. The leucine at codon 1259 is replaced by proline, an amino acid with similar properties. This amino acid position is conserved. In addition, this alteration is predicted to be deleterious by in silico analysis. Based on the available evidence, the clinical significance of this alteration remains unclear.